The following is an entry in ClinVar:

ClinVar aggregate classification (germline): Uncertain significance (1 of 4 stars; one submission).

Conditions:
Nephronophthisis 15 (NPHP15). Identifiers: Orphanet 3156, MedGen C3541853, MONDO:0013917, OMIM 614845.

Allele frequency attached by ClinVar (database versions not stated): gnomAD exomes below 0.00001.
gnomAD v4.1: 1 of 1,613,744 alleles (0.000062%); highest among the groups gnomAD compares: Non-Finnish European, 0.000085%; no homozygotes.

Submission:

Labcorp Genetics (formerly Invitae), Labcorp
Classification: Uncertain significance for Nephronophthisis 15. Last evaluated: 2022-03-10. Review status: criteria provided, single submitter. Criteria: Invitae Variant Classification Sherloc (09022015). Collection method: clinical testing. Allele origin: germline.
Comment: In summary, the available evidence is currently insufficient to determine the role of this variant in disease. Therefore, it has been classified as a Variant of Uncertain Significance. Algorithms developed to predict the effect of sequence changes on RNA splicing suggest that this variant may create or strengthen a splice site. This variant has not been reported in the literature in individuals affected with CEP164-related conditions. This variant is not present in population databases (gnomAD no frequency). This sequence change affects codon 1007 of the CEP164 mRNA. It is a 'silent' change, meaning that it does not change the encoded amino acid sequence of the CEP164 protein.

NM_014956.5(CEP164):c.3021C>T (p.Arg1007=)

Gene: CEP164 (centrosomal protein 164; plus strand). Cytogenetic location: 11q23.3.
Variant type: single nucleotide variant.
Coding change: c.3021C>T on transcript NM_014956.5 (MANE Select); coding-DNA position 3021, C replaced by T.
Protein change: p.Arg1007=; no amino-acid change (arginine 1007 retained).
Molecular consequence: synonymous variant.
Genome position (GRCh38, 1-based): chr11:117,395,654, C>T. VCF-style: chr11-117395654-C-T. GRCh37 (hg19) VCF-style: chr11-117266370-C-T.
Other names: c.3030C>T, p.Arg1010= (NM_001271933.2).
Identifiers: ClinVar variation 2108215 (VCV002108215.4), dbSNP rs2542141530, ClinGen allele CA476897734.
Genomic context (GRCh38, chr11:117,395,654, plus strand): 5'-CACCCACCTGTTGCAGTCAAACCAGCAGCTCCGAGAAATTCTTGATGAGCTGCAGGCCCG[C>T]AAGCTGAAGCTGGAGTCCCAAGTGGATCTGCTGCAGGCTCAGAGCCAGCAACTGCAGAAA-3'
Protein context (NP_055771.4, residues 997-1017): LREILDELQA[Arg1007=]KLKLESQVDL